The following is an entry in ClinVar:

NM_000271.5(NPC1):c.1832A>G (p.Asp611Gly)

Gene: NPC1 (NPC intracellular cholesterol transporter 1; minus strand). Cytogenetic location: 18q11.2.
Variant type: single nucleotide variant.
Coding change: c.1832A>G on transcript NM_000271.5 (MANE Select); coding-DNA position 1832, A replaced by G.
Protein change: p.Asp611Gly; replaces aspartic acid 611 with glycine.
Molecular consequence: missense variant.
Genome position (GRCh38, 1-based): chr18:23,545,075, T>C on the plus strand (A>G on the coding strand, the complement: NPC1 is on the minus strand). VCF-style: chr18-23545075-T-C. GRCh37 (hg19) VCF-style: chr18-21125039-T-C.
Other names: short protein forms D611G.
Identifiers: ClinVar variation 132892 (VCV000132892.2), dbSNP rs483352887, ClinGen allele CA269821.

ClinVar aggregate classification (germline): Pathogenic (0 of 4 stars; one submission).

Conditions:
Niemann-Pick disease, type C1. Also called: NIEMANN-PICK DISEASE, VARIANT TYPE C1; NEUROVISCERAL STORAGE DISEASE WITH VERTICAL SUPRANUCLEAR OPHTHALMOPLEGIA; NIEMANN-PICK DISEASE WITH CHOLESTEROL ESTERIFICATION BLOCK; NIEMANN-PICK DISEASE WITHOUT SPHINGOMYELINASE DEFICIENCY; NIEMANN-PICK DISEASE, CHRONIC NEURONOPATHIC FORM. Identifiers: Orphanet 646, MedGen C3179455, MONDO:0009757, OMIM 257220.

Submission:

Shanghain Institute for Pediatric Research
Classification: Pathogenic for Niemann-Pick disease type C1. Review status: no assertion criteria provided. Collection method: not provided. Allele origin: germline.
ClinVar note: Converted during submission from pathogenic to Pathogenic.